The following is an entry in ClinVar:

NM_007294.4(BRCA1):c.2320G>A (p.Gly774Ser)

Gene: BRCA1 (BRCA1 DNA repair associated; minus strand). Cytogenetic location: 17q21.31.
Variant type: single nucleotide variant.
Coding change: c.2320G>A on transcript NM_007294.4 (MANE Select); coding-DNA position 2320, G replaced by A.
Protein change: p.Gly774Ser; replaces glycine 774 with serine.
Molecular consequence: missense variant. On other transcripts: intron variant (137).
Genome position (GRCh38, 1-based): chr17:43,093,211, C>T on the plus strand (G>A on the coding strand, the complement: BRCA1 is on the minus strand). VCF-style: chr17-43093211-C-T. GRCh37 (hg19) VCF-style: chr17-41245228-C-T.
Other names: c.643+1533G>A (NM_001408470.1, NM_001408464.1, NM_001408468.1 and 3 more transcripts); c.646+1533G>A (NM_001408469.1, NM_001408453.1, NM_001408461.1 and 11 more transcripts); c.784+1533G>A (NM_001408397.1, NM_001408401.1, NM_001408396.1 and 13 more transcripts); c.664+1533G>A (NM_001408436.1, NM_001408444.1, NM_001408438.1 and 12 more transcripts); c.787+1533G>A (NM_001407980.1, NM_001407993.1, NM_001407976.1 and 17 more transcripts); c.652+1533G>A (NM_001408451.1); c.523+1533G>A (NM_001408498.1, NM_001408501.1, NM_001408500.1 and 3 more transcripts); c.583+1533G>A (NM_001408475.1); and 41 more; short protein forms G727S, G774S, G606S, G647S, G662S, G703S, G706S, G707S.
Identifiers: ClinVar variation 1064262 (VCV001064262.12), dbSNP rs1555589917, ClinGen allele CA10597364.

ClinVar aggregate classification (germline): Conflicting classifications of pathogenicity. Review status: criteria provided, conflicting classifications (1 of 4 stars). 2 submissions from 2 submitters: Uncertain significance (1); Likely benign (1). Last evaluated 2024-06-17.

Conditions:
Hereditary cancer-predisposing syndrome. Also called: Hereditary Cancer Syndrome; Hereditary neoplastic syndrome; Neoplastic Syndromes, Hereditary; Tumor predisposition. Identifiers: Orphanet 140162, MedGen C0027672, MeSH D009386, MONDO:0015356.
Hereditary breast ovarian cancer syndrome. Also called: Hereditary breast and ovarian cancer syndrome (HBOC); Breast and ovarian cancer; Hereditary breast and/or ovarian cancer syndrome; BRCA1- and BRCA2-Associated Hereditary Breast and Ovarian Cancer; Hereditary breast and ovarian cancer syndrome; Hereditary breast and ovarian cancer. Identifiers: Orphanet 145, MedGen C0677776, MeSH D061325, MONDO:0003582. Disease mechanism: loss of function.

Allele frequency attached by ClinVar (database versions not stated): gnomAD exomes below 0.00001; TOPMed below 0.00001.
gnomAD v4.1: 1 of 1,613,970 alleles (0.000062%); highest among the groups gnomAD compares: Non-Finnish European, 0.000085%; no homozygotes.

Submissions (2):

Labcorp Genetics (formerly Invitae), Labcorp
Classification: Uncertain significance for Hereditary breast ovarian cancer syndrome. Last evaluated: 2024-06-17. Review status: criteria provided, single submitter. Criteria: Invitae Variant Classification Sherloc (09022015). Collection method: clinical testing. Allele origin: germline.
Comment: This sequence change replaces glycine, which is neutral and non-polar, with serine, which is neutral and polar, at codon 774 of the BRCA1 protein (p.Gly774Ser). This variant is not present in population databases (gnomAD no frequency). This missense change has been observed in individual(s) with breast cancer (PMID: 30287823). ClinVar contains an entry for this variant (Variation ID: 1064262). Advanced modeling of protein sequence and biophysical properties (such as structural, functional, and spatial information, amino acid conservation, physicochemical variation, residue mobility, and thermodynamic stability) performed at Invitae indicates that this missense variant is not expected to disrupt BRCA1 protein function with a negative predictive value of 95%. In summary, the available evidence is currently insufficient to determine the role of this variant in disease. Therefore, it has been classified as a Variant of Uncertain Significance.

University of Washington Department of Laboratory Medicine, University of Washington
Classification: Likely benign for Hereditary cancer-predisposing syndrome. Last evaluated: 2023-03-23. Review status: criteria provided, single submitter. Criteria: Dines et al. (Genet Med. 2020). Collection method: curation. Allele origin: germline.
Comment: Missense variant in a coldspot region where missense variants are very unlikely to be pathogenic (PMID:31911673).

BRCA1 coldspot (exon 11 using historical exon numbering). Reclassification based on statistical prior probability

Literature cited by the submitters: PubMed 30287823 (cited by Labcorp Genetics (formerly Invitae), Labcorp).